The following is an entry in ClinVar:

NM_000751.3(CHRND):c.1235G>A (p.Arg412Lys)

Gene: CHRND (cholinergic receptor nicotinic delta subunit; plus strand). Cytogenetic location: 2q37.1.
Variant type: single nucleotide variant.
Coding change: c.1235G>A on transcript NM_000751.3 (MANE Select); coding-DNA position 1235, G replaced by A.
Protein change: p.Arg412Lys; replaces arginine 412 with lysine.
Molecular consequence: missense variant.
Genome position (GRCh38, 1-based): chr2:232,534,118, G>A. VCF-style: chr2-232534118-G-A. GRCh37 (hg19) VCF-style: chr2-233398828-G-A.
Other names: c.1190G>A, p.Arg397Lys (NM_001256657.2); c.653G>A, p.Arg218Lys (NM_001311195.2); c.932G>A, p.Arg311Lys (NM_001311196.2); c.1235G>A (NM_000751.1); short protein forms R218K, R311K, R397K, R412K.
Identifiers: ClinVar variation 1387239 (VCV001387239.8), dbSNP rs1011570439, ClinGen allele CA66957565.

ClinVar aggregate classification (germline): Uncertain significance. Review status: criteria provided, multiple submitters, no conflicts (2 of 4 stars). 3 submissions from 3 submitters: Uncertain significance (3). Last evaluated 2025-06-02.

Conditions:
Inborn genetic diseases. Identifiers: MedGen C0950123, MeSH D030342.
Lethal multiple pterygium syndrome (LMPS). Identifiers: Orphanet 33108, MedGen C1854678, MONDO:0009668, OMIM 253290.

Allele frequency attached by ClinVar (database versions not stated): gnomAD exomes below 0.00001 and 0.00001; gnomAD 0.00001; TOPMed 0.00001.
gnomAD v4.1: 7 of 1,613,976 alleles (0.00043%); highest among the groups gnomAD compares: Admixed American, 0.0067%; no homozygotes.

Submissions (3):

Labcorp Genetics (formerly Invitae), Labcorp
Classification: Uncertain significance for Lethal multiple pterygium syndrome. Last evaluated: 2025-06-02. Review status: criteria provided, single submitter. Criteria: Invitae Variant Classification Sherloc (09022015). Collection method: clinical testing. Allele origin: germline.
Comment: This sequence change replaces arginine, which is basic and polar, with lysine, which is basic and polar, at codon 412 of the CHRND protein (p.Arg412Lys). This variant is present in population databases (no rsID available, gnomAD 0.003%). This variant has not been reported in the literature in individuals affected with CHRND-related conditions. ClinVar contains an entry for this variant (Variation ID: 1387239). Invitae Evidence Modeling of protein sequence and biophysical properties (such as structural, functional, and spatial information, amino acid conservation, physicochemical variation, residue mobility, and thermodynamic stability) indicates that this missense variant is not expected to disrupt CHRND protein function with a negative predictive value of 95%. In summary, the available evidence is currently insufficient to determine the role of this variant in disease. Therefore, it has been classified as a Variant of Uncertain Significance.

Ambry Genetics
Classification: Uncertain significance for Inborn genetic diseases. Last evaluated: 2024-04-19. Review status: criteria provided, single submitter. Criteria: Ambry Variant Classification Scheme 2023. Collection method: clinical testing. Allele origin: germline.

Revvity Omics, Revvity
Classification: Uncertain significance. Last evaluated: 2024-03-14. Review status: criteria provided, single submitter. Criteria: ACMG Guidelines, 2015. Collection method: clinical testing. Allele origin: germline.